The following is an entry in ClinVar:

NM_001848.3(COL6A1):c.1182G>A (p.Glu394=)

Gene: COL6A1 (collagen type VI alpha 1 chain; plus strand). Cytogenetic location: 21q22.3.
Variant type: single nucleotide variant.
Coding change: c.1182G>A on transcript NM_001848.3 (MANE Select); coding-DNA position 1182, G replaced by A.
Protein change: p.Glu394=; no amino-acid change (glutamic acid 394 retained).
Molecular consequence: synonymous variant.
Genome position (GRCh38, 1-based): chr21:45,992,072, G>A. VCF-style: chr21-45992072-G-A. GRCh37 (hg19) VCF-style: chr21-47411986-G-A.
Identifiers: ClinVar variation 1420650 (VCV001420650.6), dbSNP rs1423443362, ClinGen allele CA512715803.

ClinVar aggregate classification (germline): Uncertain significance (1 of 4 stars; one submission).

Conditions:
Bethlem myopathy 1A. Also called: MYOPATHY, BENIGN CONGENITAL, WITH CONTRACTURES; Bethlem Muscular Dystrophy; Bethlem myopathy 1. Identifiers: Orphanet 610, MedGen CN029274, MONDO:0024530, OMIM 158810.

Allele frequency attached by ClinVar (database versions not stated): gnomAD exomes below 0.00001.
gnomAD v4.1: 1 of 1,612,724 alleles (0.000062%); highest among the groups gnomAD compares: Non-Finnish European, 0.000085%; no homozygotes.

Submission:

Labcorp Genetics (formerly Invitae), Labcorp
Classification: Uncertain significance for Bethlem myopathy 1A. Last evaluated: 2020-12-22. Review status: criteria provided, single submitter. Criteria: Invitae Variant Classification Sherloc (09022015). Collection method: clinical testing. Allele origin: germline.
Comment: In summary, the available evidence is currently insufficient to determine the role of this variant in disease. Therefore, it has been classified as a Variant of Uncertain Significance. Nucleotide substitutions within the consensus splice site are a relatively common cause of aberrant splicing (PMID: 17576681, 9536098). Algorithms developed to predict the effect of sequence changes on RNA splicing suggest that this variant may disrupt the consensus splice site, but this prediction has not been confirmed by published transcriptional studies. This variant has not been reported in the literature in individuals with COL6A1-related conditions. This variant is not present in population databases (ExAC no frequency). This sequence change affects codon 394 of the COL6A1 mRNA. It is a 'silent' change, meaning that it does not change the encoded amino acid sequence of the COL6A1 protein. This variant also falls at the last nucleotide of exon 16, which is part of the consensus splice site for this exon.

Literature cited by the submitters: PubMed 17576681; PubMed 9536098.